The following is an entry in ClinVar:

NM_000632.4(ITGAM):c.920C>T (p.Pro307Leu)

Gene: ITGAM (integrin subunit alpha M; plus strand). Cytogenetic location: 16p11.2.
Variant type: single nucleotide variant.
Coding change: c.920C>T on transcript NM_000632.4 (MANE Select); coding-DNA position 920, C replaced by T.
Protein change: p.Pro307Leu; replaces proline 307 with leucine.
Molecular consequence: missense variant.
Genome position (GRCh38, 1-based): chr16:31,275,610, C>T. VCF-style: chr16-31275610-C-T. GRCh37 (hg19) VCF-style: chr16-31286931-C-T.
Other names: c.920C>T, p.Pro307Leu (NM_001145808.2); short protein forms P307L.
Identifiers: ClinVar variation 1399241 (VCV001399241.8), dbSNP rs551470084, ClinGen allele CA8025375.

ClinVar aggregate classification (germline): Uncertain significance (1 of 4 stars; one submission).

Allele frequency attached by ClinVar (database versions not stated): gnomAD 0.00004.
gnomAD v4.1: 21 of 1,613,804 alleles (0.0013%); highest among the groups gnomAD compares: African/African-American, 0.012%; no homozygotes.

Submission:

Labcorp Genetics (formerly Invitae), Labcorp
Classification: Uncertain significance. Last evaluated: 2025-08-29. Review status: criteria provided, single submitter. Criteria: Invitae Variant Classification Sherloc (09022015). Collection method: clinical testing. Allele origin: germline.
Comment: This sequence change replaces proline, which is neutral and non-polar, with leucine, which is neutral and non-polar, at codon 307 of the ITGAM protein (p.Pro307Leu). This variant is present in population databases (rs551470084, gnomAD 0.01%). This variant has not been reported in the literature in individuals affected with ITGAM-related conditions. ClinVar contains an entry for this variant (Variation ID: 1399241). An algorithm developed to predict the effect of missense changes on protein structure and function (PolyPhen-2) suggests that this variant is likely to be disruptive. In summary, the available evidence is currently insufficient to determine the role of this variant in disease. Therefore, it has been classified as a Variant of Uncertain Significance.